The following is an entry in ClinVar:

ClinVar aggregate classification (germline): Pathogenic (1 of 4 stars; one submission).

Allele frequency attached by ClinVar (database versions not stated): gnomAD exomes below 0.00001.

Submission:

Labcorp Genetics (formerly Invitae), Labcorp
Classification: Pathogenic. Last evaluated: 2023-08-04. Review status: criteria provided, single submitter. Criteria: Invitae Variant Classification Sherloc (09022015). Collection method: clinical testing. Allele origin: germline.
Comment: This variant is not present in population databases (gnomAD no frequency). This sequence change creates a premature translational stop signal (p.Gln311*) in the ADAMTS17 gene. It is expected to result in an absent or disrupted protein product. Loss-of-function variants in ADAMTS17 are known to be pathogenic (PMID: 19836009, 24940034). This variant has not been reported in the literature in individuals affected with ADAMTS17-related conditions. For these reasons, this variant has been classified as Pathogenic.

Literature cited by the submitters: PubMed 19836009; PubMed 24940034.

NM_139057.4(ADAMTS17):c.931C>T (p.Gln311Ter)

Gene: ADAMTS17 (ADAM metallopeptidase with thrombospondin type 1 motif 17; minus strand). Cytogenetic location: 15q26.3.
Variant type: single nucleotide variant.
Coding change: c.931C>T on transcript NM_139057.4 (MANE Select); coding-DNA position 931, C replaced by T.
Protein change: p.Gln311Ter; replaces glutamine 311 with a stop codon.
Molecular consequence: nonsense.
Genome position (GRCh38, 1-based): chr15:100,261,579, G>A on the plus strand (C>T on the coding strand, the complement: ADAMTS17 is on the minus strand). VCF-style: chr15-100261579-G-A. GRCh37 (hg19) VCF-style: chr15-100801784-G-A.
Other names: short protein forms Q311*.
Identifiers: ClinVar variation 2802420 (VCV002802420.3), dbSNP rs2548794511, ClinGen allele CA393939864.